The following is an entry in ClinVar:

ClinVar aggregate classification (germline): Uncertain significance (1 of 4 stars; one submission).

Conditions:
Inborn genetic diseases. Identifiers: MedGen C0950123, MeSH D030342.

Submission:

Ambry Genetics
Classification: Uncertain significance for Inborn genetic diseases. Last evaluated: 2025-04-28. Review status: criteria provided, single submitter. Criteria: Ambry Variant Classification Scheme 2023. Collection method: clinical testing. Allele origin: germline.
Comment: The p.E15A variant (also known as c.44A>C), located in coding exon 1 of the ASXL1 gene, results from an A to C substitution at nucleotide position 44. The glutamic acid at codon 15 is replaced by alanine, an amino acid with dissimilar properties. This amino acid position is conserved. In addition, this alteration is predicted to be tolerated by in silico analysis. Based on the available evidence, the clinical significance of this variant remains unclear.

NM_015338.6(ASXL1):c.44A>C (p.Glu15Ala)

Gene: ASXL1 (ASXL transcriptional regulator 1; plus strand). Cytogenetic location: 20q11.21.
Variant type: single nucleotide variant.
Coding change: c.44A>C on transcript NM_015338.6 (MANE Select); coding-DNA position 44, A replaced by C.
Protein change: p.Glu15Ala; replaces glutamic acid 15 with alanine.
Molecular consequence: missense variant.
Genome position (GRCh38, 1-based): chr20:32,358,819, A>C. VCF-style: chr20-32358819-A-C. GRCh37 (hg19) VCF-style: chr20-30946622-A-C.
Other names: c.44A>C, p.Glu15Ala (NM_001164603.1); short protein forms E15A.
Identifiers: ClinVar variation 3956529 (VCV003956529.1).